The following is an entry in ClinVar:

ClinVar aggregate classification (germline): Uncertain significance. Review status: criteria provided, multiple submitters, no conflicts (2 of 4 stars). 2 submissions from 2 submitters: Uncertain significance (2). Last evaluated 2024-06-03.

Conditions:
Hyperammonemia, type III (NAGSD). Also called: Hyperammonemia due to N-acetylglutamate synthase deficiency. Identifiers: Orphanet 927, MedGen C0268543, MONDO:0009377, OMIM 237310.
Inborn genetic diseases. Identifiers: MedGen C0950123, MeSH D030342.

Allele frequency attached by ClinVar (database versions not stated): ExAC 0.00003; gnomAD 0.00003; TOPMed 0.00005.
gnomAD v4.1: 10 of 1,613,798 alleles (0.00062%); highest among the groups gnomAD compares: Admixed American, 0.0067%; no homozygotes.

Submissions (2):

Ambry Genetics
Classification: Uncertain significance for Inborn genetic diseases. Last evaluated: 2024-06-03. Review status: criteria provided, single submitter. Criteria: Ambry Variant Classification Scheme 2023. Collection method: clinical testing. Allele origin: germline.

Labcorp Genetics (formerly Invitae), Labcorp
Classification: Uncertain significance for Hyperammonemia, type III. Last evaluated: 2022-05-21. Review status: criteria provided, single submitter. Criteria: Invitae Variant Classification Sherloc (09022015). Collection method: clinical testing. Allele origin: germline.
Comment: This sequence change replaces glycine, which is neutral and non-polar, with alanine, which is neutral and non-polar, at codon 400 of the NAGS protein (p.Gly400Ala). This variant is present in population databases (rs201892667, gnomAD 0.009%). This variant has not been reported in the literature in individuals affected with NAGS-related conditions. Algorithms developed to predict the effect of missense changes on protein structure and function are either unavailable or do not agree on the potential impact of this missense change (SIFT: "Tolerated"; PolyPhen-2: "Probably Damaging"; Align-GVGD: "Class C0"). In summary, the available evidence is currently insufficient to determine the role of this variant in disease. Therefore, it has been classified as a Variant of Uncertain Significance.

NM_153006.3(NAGS):c.1199G>C (p.Gly400Ala)

Gene: NAGS (N-acetylglutamate synthase; plus strand). Cytogenetic location: 17q21.31.
Variant type: single nucleotide variant.
Coding change: c.1199G>C on transcript NM_153006.3 (MANE Select); coding-DNA position 1199, G replaced by C.
Protein change: p.Gly400Ala; replaces glycine 400 with alanine.
Molecular consequence: missense variant.
Genome position (GRCh38, 1-based): chr17:44,007,425, G>C. VCF-style: chr17-44007425-G-C. GRCh37 (hg19) VCF-style: chr17-42084793-G-C.
Other names: c.1199G>C (NM_153006.2); short protein forms G400A.
Identifiers: ClinVar variation 2197602 (VCV002197602.2), dbSNP rs201892667, ClinGen allele CA8595340.